The following is an entry in ClinVar:

NM_020117.11(LARS1):c.1501G>A (p.Ala501Thr)

Gene: LARS1 (leucyl-tRNA synthetase 1; minus strand). Cytogenetic location: 5q32.
Variant type: single nucleotide variant.
Coding change: c.1501G>A on transcript NM_020117.11 (MANE Select); coding-DNA position 1501, G replaced by A.
Protein change: p.Ala501Thr; replaces alanine 501 with threonine.
Molecular consequence: missense variant.
Genome position (GRCh38, 1-based): chr5:146,149,624, C>T on the plus strand (G>A on the coding strand, the complement: LARS1 is on the minus strand). VCF-style: chr5-146149624-C-T. GRCh37 (hg19) VCF-style: chr5-145529187-C-T.
Other names: c.1363G>A, p.Ala455Thr (NM_001317964.2); c.1339G>A, p.Ala447Thr (NM_001317965.2); c.1420G>A, p.Ala474Thr (NM_016460.4); c.1501G>A (NM_020117.9); short protein forms A447T, A455T, A474T, A501T.
Identifiers: ClinVar variation 1343695 (VCV001343695.6), dbSNP rs139960441, ClinGen allele CA3489606.

ClinVar aggregate classification (germline): Conflicting classifications of pathogenicity. Review status: criteria provided, conflicting classifications (1 of 4 stars). 3 submissions from 3 submitters: Uncertain significance (2); Likely benign (1). Last evaluated 2026-10-02.

Allele frequency attached by ClinVar (database versions not stated): gnomAD exomes 0.00018 and 0.00005; 1000 Genomes Project 30x 0.00047; 1000 Genomes Project 0.00040; ExAC 0.00021; ESP Exome Variant Server 0.00108.
gnomAD v4.1: 137 of 1,607,996 alleles (0.0085%); highest among the groups gnomAD compares: African/African-American, 0.14%; no homozygotes.

Submissions (3):

GeneDx
Classification: Uncertain significance. Last evaluated: 2026-10-02. Review status: criteria provided, single submitter. Criteria: GeneDx Variant Classification Process June 2021. Collection method: clinical testing. Allele origin: germline.
Comment: In silico analysis suggests that this missense variant does not alter protein structure/function; Has not been previously published as pathogenic or benign to our knowledge

Labcorp Genetics (formerly Invitae), Labcorp
Classification: Likely benign. Last evaluated: 2026-01-07. Review status: criteria provided, single submitter. Criteria: Invitae Variant Classification Sherloc (09022015). Collection method: clinical testing. Allele origin: germline.

Women's Health and Genetics/Laboratory Corporation of America, LabCorp
Classification: Uncertain significance. Last evaluated: 2022-02-18. Review status: criteria provided, single submitter. Criteria: LabCorp Variant Classification Summary - May 2015. Collection method: clinical testing. Allele origin: germline.